The following is an entry in ClinVar:

NM_000051.4(ATM):c.6557_6559del (p.Gly2186del)

Genes: ATM (ATM serine/threonine kinase; plus strand), C11orf65 (chromosome 11 open reading frame 65; minus strand). Cytogenetic location: 11q22.3.
Variant type: Deletion.
Coding change: c.6557_6559del on transcript NM_000051.4 (MANE Select); coding-DNA positions 6557 to 6559, 3 bases deleted (GGG; older notation c.6557_6559delGGG).
Protein change: p.Gly2186del; deletes glycine 2186.
Molecular consequence: inframe deletion. On other transcripts: intron variant (2).
Genome position (GRCh38, 1-based): chr11:108,321,405-108,321,407, GGG deleted; deleting any 3 consecutive bases within chr11:108,321,404-108,321,407 gives the same sequence; the c. name uses the placement nearest the transcript's 3' end. VCF-style (leftmost placement, unchanged base first): chr11-108321403-TGGG-T. GRCh37 (hg19) VCF-style: chr11-108192130-TGGG-T.
Other names: c.6557_6559del, p.Gly2186del (NM_001351834.2); c.641-12335_641-12333del (NM_001330368.2); c.*39-12335_*39-12333del (NM_001351110.2); short protein forms G2186del.
Identifiers: ClinVar variation 489577 (VCV000489577.8), dbSNP rs1555117257, ClinGen allele CA658683723.

ClinVar aggregate classification (germline): Uncertain significance. Review status: criteria provided, multiple submitters, no conflicts (2 of 4 stars). 3 submissions from 3 submitters: Uncertain significance (3). Last evaluated 2025-03-13.

Conditions:
Hereditary cancer-predisposing syndrome. Also called: Neoplastic Syndromes, Hereditary; Hereditary Cancer Syndrome; Tumor predisposition; Hereditary neoplastic syndrome. Identifiers: Orphanet 140162, MedGen C0027672, MeSH D009386, MONDO:0015356.
Ataxia-telangiectasia syndrome (AT). Also called: LOUIS-BAR SYNDROME; Cerebello-oculocutaneous telangiectasia; Immunodeficiency with ataxia telangiectasia; Ataxia-telangiectasia, complementation group D; AT, COMPLEMENTATION GROUP C; Ataxia-telangiectasia, complementation group E. Identifiers: Orphanet 100, MedGen C0004135, MONDO:0008840, OMIM 208900.

Submissions (3):

Ambry Genetics
Classification: Uncertain significance for Hereditary cancer-predisposing syndrome. Last evaluated: 2025-03-13. Review status: criteria provided, single submitter. Criteria: Ambry Variant Classification Scheme 2023. Collection method: clinical testing. Allele origin: germline.
Comment: The c.6557_6559delGGG variant (also known as p.G2186del) is located in coding exon 44 of the ATM gene. This variant results from an in-frame GGG deletion at nucleotide positions 6557 to 6559. This results in the in-frame deletion of a glycine at codon 2186. This amino acid position is well conserved in available vertebrate species. In addition, the in silico prediction for this alteration is inconclusive (Choi Y et al. PLoS ONE. 2012; 7(10):e46688). Based on the available evidence, the clinical significance of this variant remains unclear.

Labcorp Genetics (formerly Invitae), Labcorp
Classification: Uncertain significance for Ataxia-telangiectasia syndrome. Last evaluated: 2024-11-26. Review status: criteria provided, single submitter. Criteria: Invitae Variant Classification Sherloc (09022015). Collection method: clinical testing. Allele origin: germline.
Comment: This variant, c.6557_6559del, results in the deletion of 1 amino acid(s) of the ATM protein (p.Gly2186del), but otherwise preserves the integrity of the reading frame. This variant is not present in population databases (gnomAD no frequency). This variant has not been reported in the literature in individuals affected with ATM-related conditions. ClinVar contains an entry for this variant (Variation ID: 489577). Experimental studies and prediction algorithms are not available or were not evaluated, and the functional significance of this variant is currently unknown. In summary, the available evidence is currently insufficient to determine the role of this variant in disease. Therefore, it has been classified as a Variant of Uncertain Significance.

Color Diagnostics, LLC DBA Color Health
Classification: Uncertain significance for Hereditary cancer-predisposing syndrome. Last evaluated: 2018-08-10. Review status: criteria provided, single submitter. Criteria: ACMG Guidelines, 2015. Collection method: clinical testing. Allele origin: germline.